The following is an entry in ClinVar:

ClinVar aggregate classification (germline): Uncertain significance. Review status: criteria provided, multiple submitters, no conflicts (2 of 4 stars). 4 submissions from 4 submitters: Uncertain significance (4). Last evaluated 2023-12-06.

Conditions:
Malignant hyperthermia, susceptibility to, 1 (MHS1). Also called: Malignant hyperthermia suceptibility 1; RYR1-Related Malignant Hyperthermia Susceptibility; Anesthesia related hyperthermia; Malignant hyperpyrexia; Fulminating hyperpyrexia; Pharmacogenic myopathy. Identifiers: Orphanet 423, MedGen C2930980, MONDO:0007783, OMIM 145600.
RYR1-related disorder. Also called: RYR1-related condition; RYR1-related disorders. Identifiers: MedGen CN239331.

Allele frequency attached by ClinVar (database versions not stated): ExAC 0.00001; gnomAD exomes 0.00001.
gnomAD v4.1: 12 of 1,614,080 alleles (0.00074%); highest among the groups gnomAD compares: Non-Finnish European, 0.00093%; no homozygotes.

Submissions (4):

GeneDx
Classification: Uncertain significance. Last evaluated: 2023-12-06. Review status: criteria provided, single submitter. Criteria: GeneDx Variant Classification Process June 2021. Collection method: clinical testing. Allele origin: germline. Affected: yes.
Comment: Not observed at significant frequency in large population cohorts (gnomAD); In silico analysis supports that this missense variant has a deleterious effect on protein structure/function; Has not been previously published as pathogenic or benign to our knowledge; This variant is associated with the following publications: (PMID: 12668474)

All of Us Research Program, National Institutes of Health
Classification: Uncertain significance for Malignant hyperthermia, susceptibility to, 1. Last evaluated: 2023-10-02. Review status: criteria provided, single submitter. Criteria: ACMG Guidelines, 2015. Collection method: clinical testing. Allele origin: germline. Inheritance: Autosomal dominant inheritance. Observed: 1 variant allele, 1 heterozygote.
Comment: This missense variant replaces glycine with alanine at codon 2900 of the RYR1 protein. Computational prediction suggests that this variant may have deleterious impact on protein structure and function (internally defined REVEL score threshold >= 0.7, PMID: 27666373). To our knowledge, functional studies have not been reported for this variant. This variant has not been reported in individuals affected with RYR1-related disorders in the literature. This variant has been identified in 3/251076 chromosomes in the general population by the Genome Aggregation Database (gnomAD). The available evidence is insufficient to determine the role of this variant in disease conclusively. Therefore, this variant is classified as a Variant of Uncertain Significance.

This study involves interpretation of variants in research participants for the purpose of population health screening. Participant phenotype was not available at the time of variant classification. Additional details can be found in publication PMID: 35346344, PMCID: PMC8962531

Labcorp Genetics (formerly Invitae), Labcorp
Classification: Uncertain significance for RYR1-related disorder. Last evaluated: 2021-09-24. Review status: criteria provided, single submitter. Criteria: Invitae Variant Classification Sherloc (09022015). Collection method: clinical testing. Allele origin: germline.
Comment: This sequence change replaces glycine with alanine at codon 2900 of the RYR1 protein (p.Gly2900Ala). The glycine residue is highly conserved and there is a small physicochemical difference between glycine and alanine. This variant is present in population databases (rs750366916, ExAC 0.002%). This variant has not been reported in the literature in individuals with RYR1-related conditions. Algorithms developed to predict the effect of missense changes on protein structure and function are either unavailable or do not agree on the potential impact of this missense change (SIFT: "Deleterious"; PolyPhen-2: "Possibly Damaging"; Align-GVGD: "Class C0"). In summary, the available evidence is currently insufficient to determine the role of this variant in disease. Therefore, it has been classified as a Variant of Uncertain Significance.

CeGaT Center for Human Genetics Tuebingen
Classification: Uncertain significance. Last evaluated: 2019-03-01. Review status: criteria provided, single submitter. Criteria: CeGaT Center For Human Genetics Tuebingen Variant Classification Criteria Version 2. Collection method: clinical testing. Allele origin: germline. Affected: yes. Observed: 1 variant allele.

NM_000540.3(RYR1):c.8699G>C (p.Gly2900Ala)

Gene: RYR1 (ryanodine receptor 1; plus strand). Cytogenetic location: 19q13.2.
Variant type: single nucleotide variant.
Coding change: c.8699G>C on transcript NM_000540.3 (MANE Select); coding-DNA position 8699, G replaced by C.
Protein change: p.Gly2900Ala; replaces glycine 2900 with alanine.
Molecular consequence: missense variant.
Genome position (GRCh38, 1-based): chr19:38,506,835, G>C. VCF-style: chr19-38506835-G-C. GRCh37 (hg19) VCF-style: chr19-38997475-G-C.
Other names: c.8699G>C, p.Gly2900Ala (NM_001042723.2); c.8699G>C (NM_000540.2); short protein forms G2900A.
Identifiers: ClinVar variation 808557 (VCV000808557.46), dbSNP rs750366916, ClinGen allele CA072578.
Genomic context (GRCh38, chr19:38,506,835, plus strand): 5'-GAGAGTGGCCCGGGTCTTCCCCAGAGCCCTGATTTCTGGTCTTTGCCTCCCCAGGCGGTG[G>C]GACCCACCCCCTGCTGGTCCCCTACGACACGCTCACGGCCAAGGAGAAGGCACGAGATCG-3'
Protein context (NP_000531.2, residues 2890-2910): KKQELEAKGG[Gly2900Ala]THPLLVPYDT